The following is an entry in ClinVar:

NM_001199161.2(USP19):c.1572G>T (p.Glu524Asp)

Gene: USP19 (ubiquitin specific peptidase 19; minus strand). Cytogenetic location: 3p21.31.
Variant type: single nucleotide variant.
Coding change: c.1572G>T on transcript NM_001199161.2 (MANE Select); coding-DNA position 1572, G replaced by T.
Protein change: p.Glu524Asp; replaces glutamic acid 524 with aspartic acid.
Molecular consequence: missense variant.
Genome position (GRCh38, 1-based): chr3:49,115,844, C>A on the plus strand (G>T on the coding strand, the complement: USP19 is on the minus strand). VCF-style: chr3-49115844-C-A. GRCh37 (hg19) VCF-style: chr3-49153277-C-A.
Other names: c.1566G>T, p.Glu522Asp (NM_001199160.2, NM_001389598.1); c.1536G>T, p.Glu512Asp (NM_001199162.2); c.1533G>T, p.Glu511Asp (NM_001351098.2); c.1563G>T, p.Glu521Asp (NM_001351099.2, NM_001389602.1); c.1569G>T, p.Glu523Asp (NM_001351100.2, NM_001389604.1); c.1572G>T, p.Glu524Asp (NM_001351101.2, NM_001389594.1, NM_001389595.1); c.1224G>T, p.Glu408Asp (NM_001351102.2, NM_001389607.1); c.1269G>T, p.Glu423Asp (NM_001351103.2, NM_001351106.2, NM_001389606.1); and 8 more; short protein forms E512D, E524D, E425D, E472D, E509D, E423D, E511D, E523D.
Identifiers: ClinVar variation 375398 (VCV000375398.1), dbSNP rs375659415, ClinGen allele CA2393092.
Genomic context (GRCh38, chr3:49,115,844, plus strand): 5'-ACTGTCTAGCCCTGTGTCCTCAGATCGTGCCTTGGATTTATCCTTCTCCACAGCCCGGGC[C>A]TCCTCCTGGCCTGTCAGGGGGTGGGGAGCACCTCCTGGTGGGGTTGAATCCAGAGGGGTT-3'
Protein context (NP_001186090.1, residues 514-534): GAPHPLTGQE[Glu524Asp]ARAVEKDKSK

ClinVar aggregate classification (germline): Pathogenic (0 of 4 stars; one submission).

Conditions:
Epileptic encephalopathy. Identifiers: MedGen C0543888, HP:0200134.

Allele frequency attached by ClinVar (database versions not stated): ExAC 0.00001; gnomAD exomes 0.00001 and 0.00003; TOPMed 0.00002; gnomAD 0.00003 and 0.00004; ESP Exome Variant Server 0.00008.

Submission:

Lupski Lab, Baylor-Hopkins CMG, Baylor College of Medicine
Classification: Pathogenic for Epileptic encephalopathy. Review status: no assertion criteria provided. Collection method: research. Allele origin: germline. Inheritance: Autosomal recessive inheritance. Affected: yes.